The following is an entry in ClinVar:

ClinVar aggregate classification (germline): Benign/Likely benign. Review status: criteria provided, multiple submitters, no conflicts (2 of 4 stars). 4 submissions from 4 submitters: Benign (1); Likely benign (2). 1 of the submissions does not count toward it. Last evaluated 2025-12-16.

Conditions:
C2CD3-related disorder. Also called: C2CD3-related condition.

Allele frequency attached by ClinVar (database versions not stated): gnomAD exomes 0.00007 and 0.00020; ExAC 0.00027; gnomAD 0.00070 and 0.00076; 1000 Genomes Project 0.00080; TOPMed 0.00085; 1000 Genomes Project 30x 0.00094; ESP Exome Variant Server 0.00100.
gnomAD v4.1: 214 of 1,612,354 alleles (0.013%); highest among the groups gnomAD compares: African/African-American, 0.23%; no homozygotes.

Submissions (4):

Labcorp Genetics (formerly Invitae), Labcorp
Classification: Benign. Last evaluated: 2025-12-16. Review status: criteria provided, single submitter. Criteria: Invitae Variant Classification Sherloc (09022015). Collection method: clinical testing. Allele origin: germline.

Mayo Clinic Laboratories, Mayo Clinic
Classification: Likely benign. Last evaluated: 2025-09-17. Review status: criteria provided, single submitter. Criteria: ACMG Guidelines, 2015. Collection method: clinical testing. Allele origin: germline. Observed: 1 variant allele.

Blueprint Genetics
Classification: Likely benign. Last evaluated: 2024-04-15. Review status: criteria provided, single submitter. Criteria: ACMG Guidelines, 2015. Collection method: clinical testing. Allele origin: germline.

PreventionGenetics, part of Exact Sciences
Classification: Likely benign for C2CD3-related condition. Last evaluated: 2023-01-27. Review status: no assertion criteria provided. Collection method: clinical testing. Allele origin: germline. Not counted in ClinVar's aggregate classification.
Comment: This variant is classified as likely benign based on ACMG/AMP sequence variant interpretation guidelines (Richards et al. 2015 PMID: 25741868, with internal and published modifications).

NM_001286577.2(C2CD3):c.5184G>A (p.Ser1728=)

Gene: C2CD3 (C2 domain containing 3 centriole elongation regulator; minus strand). Cytogenetic location: 11q13.4.
Variant type: single nucleotide variant.
Coding change: c.5184G>A on transcript NM_001286577.2 (MANE Select); coding-DNA position 5184, G replaced by A.
Protein change: p.Ser1728=; no amino-acid change (serine 1728 retained).
Molecular consequence: synonymous variant.
Genome position (GRCh38, 1-based): chr11:74,049,514, C>T on the plus strand (G>A on the coding strand, the complement: C2CD3 is on the minus strand). VCF-style: chr11-74049514-C-T. GRCh37 (hg19) VCF-style: chr11-73760559-C-T.
Other names: p.Ser1728=; c.5184G>A, p.Ser1728= (NM_015531.6); c.5184G>A (NM_001286577.1).
Identifiers: ClinVar variation 741434 (VCV000741434.14), dbSNP rs145124391, ClinGen allele CA6181949.
Genomic context (GRCh38, chr11:74,049,514, plus strand): 5'-TGTGATGTTGTACCAGCCACAGACAAACTGGAAGCCAGAGAGAAGTGGGGAGAGGTCCAC[C>T]GAGGCAAAGCCAATCACCCTCTCCTCATCTGTAGAGGAAAGAGAAGAGCTGGGCAATGTG-3'
Protein context (NP_001273506.1, residues 1718-1738): GDEERVIGFA[Ser1728=]VDLSPLLSGF